The following is an entry in ClinVar:

ClinVar aggregate classification (germline): Uncertain significance (1 of 4 stars; one submission).

Allele frequency attached by ClinVar (database versions not stated): gnomAD exomes below 0.00001 and 0.00001; TOPMed 0.00001.
gnomAD v4.1: 6 of 1,604,930 alleles (0.00037%); highest among the groups gnomAD compares: Non-Finnish European, 0.00026%; no homozygotes.

Submission:

GeneDx
Classification: Uncertain significance. Last evaluated: 2020-10-19. Review status: criteria provided, single submitter. Criteria: GeneDx Variant Classification Process June 2021. Collection method: clinical testing. Allele origin: germline. Affected: yes.
Comment: In silico analysis supports that this missense variant has a deleterious effect on protein structure/function; Has not been previously published as pathogenic or benign to our knowledge

NM_058172.6(ANTXR2):c.136T>C (p.Tyr46His)

Gene: ANTXR2 (ANTXR cell adhesion molecule 2; minus strand). Cytogenetic location: 4q21.21.
Variant type: single nucleotide variant.
Coding change: c.136T>C on transcript NM_058172.6 (MANE Select); coding-DNA position 136, T replaced by C.
Protein change: p.Tyr46His; replaces tyrosine 46 with histidine.
Molecular consequence: missense variant. On other transcripts: intron variant (2).
Genome position (GRCh38, 1-based): chr4:80,072,425, A>G on the plus strand (T>C on the coding strand, the complement: ANTXR2 is on the minus strand). VCF-style: chr4-80072425-A-G. GRCh37 (hg19) VCF-style: chr4-80993579-A-G.
Other names: c.136T>C, p.Tyr46His (NM_001145794.2); c.-79-771T>C (NM_001286780.2); c.-80+284T>C (NM_001286781.2); short protein forms Y46H.
Identifiers: ClinVar variation 1313397 (VCV001313397.2), dbSNP rs1460299885, ClinGen allele CA357474455.